The following is an entry in ClinVar:

NM_001844.5(COL2A1):c.3722C>A (p.Ala1241Asp)

Gene: COL2A1 (collagen type II alpha 1 chain; minus strand). Cytogenetic location: 12q13.11.
Variant type: single nucleotide variant.
Coding change: c.3722C>A on transcript NM_001844.5 (MANE Select); coding-DNA position 3722, C replaced by A.
Protein change: p.Ala1241Asp; replaces alanine 1241 with aspartic acid.
Molecular consequence: missense variant.
Genome position (GRCh38, 1-based): chr12:47,975,481, G>T on the plus strand (C>A on the coding strand, the complement: COL2A1 is on the minus strand). VCF-style: chr12-47975481-G-T. GRCh37 (hg19) VCF-style: chr12-48369264-G-T.
Other names: c.3515C>A, p.Ala1172Asp (NM_033150.3); short protein forms A1241D, A1172D.
Identifiers: ClinVar variation 2861340 (VCV002861340.3), dbSNP rs746665798, ClinGen allele CA384536834.

ClinVar aggregate classification (germline): Uncertain significance (1 of 4 stars; one submission).

Submission:

Labcorp Genetics (formerly Invitae), Labcorp
Classification: Uncertain significance. Last evaluated: 2023-05-20. Review status: criteria provided, single submitter. Criteria: Invitae Variant Classification Sherloc (09022015). Collection method: clinical testing. Allele origin: germline.
Comment: In summary, the available evidence is currently insufficient to determine the role of this variant in disease. Therefore, it has been classified as a Variant of Uncertain Significance. Advanced modeling of protein sequence and biophysical properties (such as structural, functional, and spatial information, amino acid conservation, physicochemical variation, residue mobility, and thermodynamic stability) performed at Invitae indicates that this missense variant is not expected to disrupt COL2A1 protein function. This variant has not been reported in the literature in individuals affected with COL2A1-related conditions. This variant is not present in population databases (gnomAD no frequency). This sequence change replaces alanine, which is neutral and non-polar, with aspartic acid, which is acidic and polar, at codon 1241 of the COL2A1 protein (p.Ala1241Asp).